The following is an entry in ClinVar:

ClinVar aggregate classification (germline): Uncertain significance. Review status: criteria provided, multiple submitters, no conflicts (2 of 4 stars). 2 submissions from 2 submitters: Uncertain significance (2). Last evaluated 2025-10-02.

Submissions (2):

Labcorp Genetics (formerly Invitae), Labcorp
Classification: Uncertain significance. Last evaluated: 2025-10-02. Review status: criteria provided, single submitter. Criteria: Invitae Variant Classification Sherloc (09022015). Collection method: clinical testing. Allele origin: germline.
Comment: This sequence change replaces threonine, which is neutral and polar, with isoleucine, which is neutral and non-polar, at codon 864 of the NEXMIF protein (p.Thr864Ile). This variant is not present in population databases (gnomAD no frequency). This variant has not been reported in the literature in individuals affected with NEXMIF-related conditions. ClinVar contains an entry for this variant (Variation ID: 3919089). An algorithm developed to predict the effect of missense changes on protein structure and function (PolyPhen-2) suggests that this variant is likely to be tolerated. In summary, the available evidence is currently insufficient to determine the role of this variant in disease. Therefore, it has been classified as a Variant of Uncertain Significance.

Ambry Genetics
Classification: Uncertain significance. Last evaluated: 2025-03-19. Review status: criteria provided, single submitter. Criteria: Ambry Variant Classification Scheme 2023. Collection method: clinical testing. Allele origin: germline.

NM_001008537.3(NEXMIF):c.2591C>T (p.Thr864Ile)

Gene: NEXMIF (neurite extension and migration factor; minus strand). Cytogenetic location: Xq13.3.
Variant type: single nucleotide variant.
Coding change: c.2591C>T on transcript NM_001008537.3 (MANE Select); coding-DNA position 2591, C replaced by T.
Protein change: p.Thr864Ile; replaces threonine 864 with isoleucine.
Molecular consequence: missense variant.
Genome position (GRCh38, 1-based): chrX:74,741,966, G>A on the plus strand (C>T on the coding strand, the complement: NEXMIF is on the minus strand). VCF-style: chrX-74741966-G-A. GRCh37 (hg19) VCF-style: chrX-73961801-G-A.
Other names: short protein forms T864I.
Identifiers: ClinVar variation 3919089 (VCV003919089.2).